The following is an entry in ClinVar:

NM_000081.4(LYST):c.6482A>C (p.Glu2161Ala)

Gene: LYST (lysosomal trafficking regulator; minus strand). Cytogenetic location: 1q42.3.
Variant type: single nucleotide variant.
Coding change: c.6482A>C on transcript NM_000081.4 (MANE Select); coding-DNA position 6482, A replaced by C.
Protein change: p.Glu2161Ala; replaces glutamic acid 2161 with alanine.
Molecular consequence: missense variant.
Genome position (GRCh38, 1-based): chr1:235,759,371, T>G on the plus strand (A>C on the coding strand, the complement: LYST is on the minus strand). VCF-style: chr1-235759371-T-G. GRCh37 (hg19) VCF-style: chr1-235922671-T-G.
Other names: p.Glu2161Ala; c.6482A>C, p.Glu2161Ala (NM_001301365.1); short protein forms E2161A.
Identifiers: ClinVar variation 254931 (VCV000254931.71), dbSNP rs147756847, ClinGen allele CA1466365.

ClinVar aggregate classification (germline): Benign/Likely benign. Review status: criteria provided, multiple submitters, no conflicts (2 of 4 stars). 12 submissions from 12 submitters: Benign (4); Likely benign (5). 3 of the submissions do not count toward it. Last evaluated 2026-09-01.

Conditions:
Autoinflammatory syndrome. Identifiers: Orphanet 93665, MedGen C3890737, MONDO:0019751.
Chédiak-Higashi syndrome (CHS). Also called: Chediak-Higashi Syndrome. Identifiers: Orphanet 167, MedGen C0007965, MONDO:0008963, OMIM 214500.

Allele frequency attached by ClinVar (database versions not stated): 1000 Genomes Project 30x 0.00344; 1000 Genomes Project 0.00359; gnomAD 0.00416 and 0.00421; ExAC 0.00428; TOPMed 0.00468; ESP Exome Variant Server 0.00469; gnomAD exomes 0.00476.
gnomAD v4.1: 8,244 of 1,614,230 alleles (0.51%); highest among the groups gnomAD compares: Middle Eastern, 1.2%; 47 homozygotes.

Submissions (12):

CeGaT Center for Human Genetics Tuebingen
Classification: Likely benign. Last evaluated: 2026-09-01. Review status: criteria provided, single submitter. Criteria: CeGaT Center For Human Genetics Tuebingen Variant Classification Criteria Version 2. Collection method: clinical testing. Allele origin: germline. Affected: yes. Observed: 11 variant alleles.
Comment: LYST: BP4, BS2

Labcorp Genetics (formerly Invitae), Labcorp
Classification: Benign for Chédiak-Higashi syndrome. Last evaluated: 2026-02-03. Review status: criteria provided, single submitter. Criteria: Invitae Variant Classification Sherloc (09022015). Collection method: clinical testing. Allele origin: germline.

Blueprint Genetics
Classification: Likely benign. Last evaluated: 2024-11-26. Review status: criteria provided, single submitter. Criteria: ACMG Guidelines, 2015. Collection method: clinical testing. Allele origin: germline.

Mayo Clinic Laboratories, Mayo Clinic
Classification: Benign. Last evaluated: 2024-05-20. Review status: criteria provided, single submitter. Criteria: ACMG Guidelines, 2015. Collection method: clinical testing. Allele origin: germline. Observed: 36 variant alleles.
Comment: BS1, BS2, BP4

Center for Genomics, Ann and Robert H. Lurie Children's Hospital of Chicago
Classification: Likely benign for Chédiak-Higashi syndrome. Last evaluated: 2022-08-23. Review status: criteria provided, single submitter. Criteria: ACMG Guidelines, 2015. Collection method: clinical testing. Allele origin: germline.
Comment: This variant has not been reported in the literature but is present in the Genome Aggregation Database (Highest reported MAF: 3.3% [338/10366]; including in 7 homozygotes), and in ClinVar, with several laboratories classifying it as benign or likely benign (Variation ID: 254931). Evolutionary conservation and computational predictive tools suggest that this variant may not impact the protein. In summary, data on this variant suggests that this variant does not cause disease but requires further evidence. Therefore, this variant is classified as likely benign.

Genome Diagnostics Laboratory, The Hospital for Sick Children
Classification: Benign for Autoinflammatory syndrome. Last evaluated: 2020-09-17. Review status: criteria provided, single submitter. Criteria: ACMG Guidelines, 2015. Collection method: clinical testing. Allele origin: germline. Affected: yes.

Genetic Services Laboratory, University of Chicago
Classification: Likely benign. Last evaluated: 2018-09-13. Review status: criteria provided, single submitter. Criteria: ACMG Guidelines, 2015. Collection method: clinical testing. Allele origin: germline. Affected: no.

Clinical Genetics DNA and cytogenetics Diagnostics Lab, Erasmus MC, Erasmus Medical Center
Classification: Likely benign for Chédiak-Higashi syndrome. Last evaluated: 2016-04-13. Review status: criteria provided, single submitter. Criteria: ACGS Guidelines, 2013. Collection method: clinical testing. Allele origin: germline. Affected: yes. Study: VKGL Data-share Consensus.

PreventionGenetics, part of Exact Sciences
Classification: Benign. Review status: criteria provided, single submitter. Criteria: ACMG Guidelines, 2015. Collection method: clinical testing. Allele origin: germline.

Clinical Genetics, Academic Medical Center
Classification: Benign. Review status: no assertion criteria provided. Collection method: clinical testing. Allele origin: germline. Affected: yes. Study: VKGL Data-share Consensus. Not counted in ClinVar's aggregate classification.

Joint Genome Diagnostic Labs from Nijmegen and Maastricht, Radboudumc and MUMC+
Classification: Benign. Review status: no assertion criteria provided. Collection method: clinical testing. Allele origin: germline. Affected: yes. Study: VKGL Data-share Consensus. Not counted in ClinVar's aggregate classification.

Laboratory of Diagnostic Genome Analysis, Leiden University Medical Center (LUMC)
Classification: Likely benign. Review status: no assertion criteria provided. Collection method: clinical testing. Allele origin: germline. Affected: yes. Study: VKGL Data-share Consensus. Not counted in ClinVar's aggregate classification.